The following is an entry in ClinVar:

NM_022739.4(SMURF2):c.906A>G (p.Gly302=)

Gene: SMURF2 (SMAD specific E3 ubiquitin protein ligase 2; minus strand). Cytogenetic location: 17q23.3.
Variant type: single nucleotide variant.
Coding change: c.906A>G on transcript NM_022739.4 (MANE Select); coding-DNA position 906, A replaced by G.
Protein change: p.Gly302=; no amino-acid change (glycine 302 retained).
Molecular consequence: synonymous variant.
Genome position (GRCh38, 1-based): chr17:64,571,908, T>C on the plus strand (A>G on the coding strand, the complement: SMURF2 is on the minus strand). VCF-style: chr17-64571908-T-C. GRCh37 (hg19) VCF-style: chr17-62568026-T-C.
Identifiers: ClinVar variation 3029955 (VCV003029955.2), dbSNP rs374025782, ClinGen allele CA8715016.
Genomic context (GRCh38, chr17:64,571,908, plus strand): 5'-TGTTCTGTTGTTATGGTCAACGAAATAAACTCTGCCTGTTGCCGTATTACGGATCTCCCA[T>C]CCAGGAGGCAATGGACCAAGCTCTTCACAATTGATGTTGCTAAGATCCCTGCAAAAACAA-3'
Protein context (NP_073576.1, residues 292-312): NCEELGPLPP[Gly302=]WEIRNTATGR

ClinVar aggregate classification (germline): Likely benign (0 of 4 stars; one submission).

Conditions:
SMURF2-related disorder. Also called: SMURF2-related condition.

Allele frequency attached by ClinVar (database versions not stated): ExAC 0.00003; gnomAD 0.00005; TOPMed 0.00006; ESP Exome Variant Server 0.00015.
gnomAD v4.1: 20 of 1,613,760 alleles (0.0012%); highest among the groups gnomAD compares: Admixed American, 0.0033%; no homozygotes.

Submission:

PreventionGenetics, part of Exact Sciences
Classification: Likely benign for SMURF2-related condition. Last evaluated: 2023-03-10. Review status: no assertion criteria provided. Collection method: clinical testing. Allele origin: germline.
Comment: This variant is classified as likely benign based on ACMG/AMP sequence variant interpretation guidelines (Richards et al. 2015 PMID: 25741868, with internal and published modifications).